The following is an entry in ClinVar:

ClinVar aggregate classification (germline): Uncertain significance (1 of 4 stars; one submission).

Conditions:
Renal cell carcinoma. Identifiers: Orphanet 217071, MedGen C0007134, MeSH D002292, MONDO:0005086, HP:0005584.

Submission:

Labcorp Genetics (formerly Invitae), Labcorp
Classification: Uncertain significance for Renal cell carcinoma. Last evaluated: 2021-03-17. Review status: criteria provided, single submitter. Criteria: Invitae Variant Classification Sherloc (09022015). Collection method: clinical testing. Allele origin: germline.
Comment: In summary, the available evidence is currently insufficient to determine the role of this variant in disease. Therefore, it has been classified as a Variant of Uncertain Significance. This sequence change creates a premature translational stop signal (p.Val345Cysfs*39) in the MET gene. It is expected to result in an absent or disrupted protein product. However, the current clinical and genetic evidence is not sufficient to establish whether loss-of-function variants in MET cause disease. This variant is not present in population databases (ExAC no frequency). This variant has not been reported in the literature in individuals with MET-related conditions.

NM_000245.4(MET):c.1033del (p.Val345fs)

Gene: MET (MET proto-oncogene, receptor tyrosine kinase; plus strand). Cytogenetic location: 7q31.2.
Variant type: Deletion.
Coding change: c.1033del on transcript NM_000245.4 (MANE Select); coding-DNA position 1033, one base deleted (G; older notation c.1033delG).
Protein change: p.Val345fs; shifts the reading frame from valine 345.
Molecular consequence: frameshift variant. On other transcripts: intron variant (1).
Genome position (GRCh38, 1-based): chr7:116,700,117, G deleted; the last of 4 consecutive G bases (chr7:116,700,114-116,700,117); deleting any one gives the same sequence. VCF-style (leftmost placement, unchanged base first): chr7-116700113-CG-C. GRCh37 (hg19) VCF-style: chr7-116340167-CG-C.
Other names: c.1033del, p.Val345fs (NM_001127500.3, NM_001324401.3); c.-91+27540del (NM_001324402.2); short protein forms V345fs.
Identifiers: ClinVar variation 1493343 (VCV001493343.6), dbSNP rs1791514332, ClinGen allele CA2573141533.